The following is an entry in ClinVar:

ClinVar aggregate classification (germline): Uncertain significance (1 of 4 stars; one submission).

Conditions:
Long QT syndrome (LQTS). Identifiers: MedGen C0023976, MeSH D008133, MONDO:0002442. Disease mechanism: loss of function. Inheritance: Various modes of inheritance.

Submission:

Labcorp Genetics (formerly Invitae), Labcorp
Classification: Uncertain significance for Long QT syndrome. Last evaluated: 2024-02-10. Review status: criteria provided, single submitter. Criteria: Invitae Variant Classification Sherloc (09022015). Collection method: clinical testing. Allele origin: germline.
Comment: This sequence change affects codon 1609 of the CACNA1C mRNA. It is a 'silent' change, meaning that it does not change the encoded amino acid sequence of the CACNA1C protein. It affects a nucleotide within the consensus splice site. This variant is not present in population databases (gnomAD no frequency). This variant has not been reported in the literature in individuals affected with CACNA1C-related conditions. Algorithms developed to predict the effect of sequence changes on RNA splicing suggest that this variant is not likely to affect RNA splicing. In summary, the available evidence is currently insufficient to determine the role of this variant in disease. Therefore, it has been classified as a Variant of Uncertain Significance.

NM_000719.7(CACNA1C):c.4827T>C (p.Gly1609=)

Gene: CACNA1C (calcium voltage-gated channel subunit alpha1 C; plus strand). Cytogenetic location: 12p13.33.
Variant type: single nucleotide variant.
Coding change: c.4827T>C on transcript NM_000719.7 (MANE Select); coding-DNA position 4827, T replaced by C.
Protein change: p.Gly1609=; no amino-acid change (glycine 1609 retained).
Molecular consequence: synonymous variant.
Genome position (GRCh38, 1-based): chr12:2,674,641, T>C. VCF-style: chr12-2674641-T-C. GRCh37 (hg19) VCF-style: chr12-2783807-T-C.
Other names: c.4851T>C, p.Gly1617= (NM_001129837.2, NM_001129838.2); c.4827T>C, p.Gly1609= (NM_001129841.2, NM_001129842.2, NM_001129843.2 and 4 more transcripts); c.4818T>C, p.Gly1606= (NM_001129844.2); c.4794T>C, p.Gly1598= (NM_001167625.2, NM_001129846.2); c.4971T>C, p.Gly1657= (NM_001129827.2, NM_199460.4); c.4950T>C, p.Gly1650= (NM_001129829.2); c.4911T>C, p.Gly1637= (NM_001129831.2); c.4887T>C, p.Gly1629= (NM_001129832.2); and 3 more.
Identifiers: ClinVar variation 3640035 (VCV003640035.2).